The following is an entry in ClinVar:

NM_001048174.2(MUTYH):c.1386G>T (p.Met462Ile)

Gene: MUTYH (mutY DNA glycosylase; minus strand). Cytogenetic location: 1p34.1.
Variant type: single nucleotide variant.
Coding change: c.1386G>T on transcript NM_001048174.2 (MANE Select); coding-DNA position 1386, G replaced by T.
Protein change: p.Met462Ile; replaces methionine 462 with isoleucine.
Molecular consequence: missense variant. On other transcripts: non-coding transcript variant (2).
Genome position (GRCh38, 1-based): chr1:45,331,188, C>A on the plus strand (G>T on the coding strand, the complement: MUTYH is on the minus strand). VCF-style: chr1-45331188-C-A. GRCh37 (hg19) VCF-style: chr1-45796860-C-A.
Other names: c.1386G>T, p.Met462Ile (NM_001048171.2, NM_001048173.2, NM_001293195.2); c.1389G>T, p.Met463Ile (NM_001048172.2); c.1470G>T, p.Met490Ile (NM_001128425.2); c.1431G>T, p.Met477Ile (NM_001293190.2); c.1419G>T, p.Met473Ile (NM_001293191.2); c.1110G>T, p.Met370Ile (NM_001293192.2, NM_001293196.2); c.1041G>T, p.Met347Ile (NM_001350650.2, NM_001350651.2); c.1461G>T, p.Met487Ile (NM_012222.3); short protein forms M347I, M463I, M473I, M370I, M477I, M462I, M487I, M490I.
Identifiers: ClinVar variation 650792 (VCV000650792.10), dbSNP rs1570362086, ClinGen allele CA340132479.

ClinVar aggregate classification (germline): Conflicting classifications of pathogenicity. Review status: criteria provided, conflicting classifications (1 of 4 stars). 2 submissions from 2 submitters: Uncertain significance (1); Likely benign (1). Last evaluated 2025-09-09.

Conditions:
Familial adenomatous polyposis 2. Also called: COLORECTAL ADENOMATOUS POLYPOSIS, AUTOSOMAL RECESSIVE; ADENOMAS, MULTIPLE COLORECTAL, AUTOSOMAL RECESSIVE; MYH-associated polyposis; MUTYH Polyposis; Adenomas, multiple colorectal; MUTYH-associated polyposis. Identifiers: Orphanet 220460, Orphanet 247798, MedGen C3272841, MONDO:0012041, OMIM 608456.
Hereditary cancer-predisposing syndrome. Also called: Tumor predisposition; Neoplastic Syndromes, Hereditary; Hereditary Cancer Syndrome; Hereditary neoplastic syndrome. Identifiers: Orphanet 140162, MedGen C0027672, MeSH D009386, MONDO:0015356.

Submissions (2):

Ambry Genetics
Classification: Likely benign for Hereditary cancer-predisposing syndrome. Last evaluated: 2025-09-09. Review status: criteria provided, single submitter. Criteria: Ambry Variant Classification Scheme 2023. Collection method: clinical testing. Allele origin: germline.

Labcorp Genetics (formerly Invitae), Labcorp
Classification: Uncertain significance for Familial adenomatous polyposis 2. Last evaluated: 2022-04-04. Review status: criteria provided, single submitter. Criteria: Invitae Variant Classification Sherloc (09022015). Collection method: clinical testing. Allele origin: germline.
Comment: In summary, the available evidence is currently insufficient to determine the role of this variant in disease. Therefore, it has been classified as a Variant of Uncertain Significance. This sequence change replaces methionine, which is neutral and non-polar, with isoleucine, which is neutral and non-polar, at codon 490 of the MUTYH protein (p.Met490Ile). This variant is not present in population databases (gnomAD no frequency). This variant has not been reported in the literature in individuals affected with MUTYH-related conditions. ClinVar contains an entry for this variant (Variation ID: 650792). Algorithms developed to predict the effect of missense changes on protein structure and function (SIFT, PolyPhen-2, Align-GVGD) all suggest that this variant is likely to be tolerated.